The following is an entry in ClinVar:

NM_012330.4(KAT6B):c.3775T>C (p.Trp1259Arg)

Gene: KAT6B (lysine acetyltransferase 6B; plus strand). Cytogenetic location: 10q22.2.
Variant type: single nucleotide variant.
Coding change: c.3775T>C on transcript NM_012330.4 (MANE Select); coding-DNA position 3775, T replaced by C.
Protein change: p.Trp1259Arg; replaces tryptophan 1259 with arginine.
Molecular consequence: missense variant.
Genome position (GRCh38, 1-based): chr10:75,028,599, T>C. VCF-style: chr10-75028599-T-C. GRCh37 (hg19) VCF-style: chr10-76788357-T-C.
Other names: c.3226T>C, p.Trp1076Arg (NM_001256468.2, NM_001370138.1); c.2899T>C, p.Trp967Arg (NM_001256469.2, NM_001370139.1, NM_001370140.1 and 2 more transcripts); c.2737T>C, p.Trp913Arg (NM_001370132.1); c.2086T>C, p.Trp696Arg (NM_001370133.1); c.1690T>C, p.Trp564Arg (NM_001370134.1); c.1432T>C, p.Trp478Arg (NM_001370135.1); c.3775T>C, p.Trp1259Arg (NM_001370136.1, NM_001370137.1); c.2710T>C, p.Trp904Arg (NM_001370143.1, NM_001370144.1); short protein forms W1076R, W1259R, W478R, W564R, W696R, W904R, W913R, W967R.
Identifiers: ClinVar variation 1704778 (VCV001704778.2), dbSNP rs2549197396, ClinGen allele CA377291732.

ClinVar aggregate classification (germline): Uncertain significance (1 of 4 stars; one submission).

Submission:

GeneDx
Classification: Uncertain significance. Last evaluated: 2022-03-09. Review status: criteria provided, single submitter. Criteria: GeneDx Variant Classification Process June 2021. Collection method: clinical testing. Allele origin: germline. Affected: yes.
Comment: Not observed at significant frequency in large population cohorts (gnomAD); In silico analysis supports that this missense variant has a deleterious effect on protein structure/function; Has not been previously published as pathogenic or benign to our knowledge